The following is an entry in ClinVar:

NM_153603.4(COG7):c.972C>T (p.Phe324=)

Gene: COG7 (component of oligomeric golgi complex 7; minus strand). Cytogenetic location: 16p12.2.
Variant type: single nucleotide variant.
Coding change: c.972C>T on transcript NM_153603.4 (MANE Select); coding-DNA position 972, C replaced by T.
Protein change: p.Phe324=; no amino-acid change (phenylalanine 324 retained).
Molecular consequence: synonymous variant.
Genome position (GRCh38, 1-based): chr16:23,424,786, G>A on the plus strand (C>T on the coding strand, the complement: COG7 is on the minus strand). VCF-style: chr16-23424786-G-A. GRCh37 (hg19) VCF-style: chr16-23436107-G-A.
Identifiers: ClinVar variation 713009 (VCV000713009.8), dbSNP rs747262700, ClinGen allele CA7961122.

ClinVar aggregate classification (germline): Likely benign. Review status: criteria provided, single submitter (1 of 4 stars). 2 submissions from 2 submitters: Likely benign (1). 1 of the submissions does not count toward it. Last evaluated 2025-09-18.

Conditions:
COG7 congenital disorder of glycosylation (CDG2E). Also called: CDG IIe; CONGENITAL DISORDER OF GLYCOSYLATION, TYPE IIe. Identifiers: Orphanet 79333, MedGen C2931010, MONDO:0012118, OMIM 608779.
COG7-related disorder. Also called: COG7-related condition.

Allele frequency attached by ClinVar (database versions not stated): ExAC 0.00003; TOPMed 0.00005; gnomAD exomes 0.00006; gnomAD 0.00008 and 0.00009.
gnomAD v4.1: 62 of 1,614,134 alleles (0.0038%); highest among the groups gnomAD compares: Admixed American, 0.027%; no homozygotes.

Submissions (2):

Labcorp Genetics (formerly Invitae), Labcorp
Classification: Likely benign for COG7 congenital disorder of glycosylation. Last evaluated: 2025-09-18. Review status: criteria provided, single submitter. Criteria: Invitae Variant Classification Sherloc (09022015). Collection method: clinical testing. Allele origin: germline.

PreventionGenetics, part of Exact Sciences
Classification: Likely benign for COG7-related condition. Last evaluated: 2024-09-01. Review status: no assertion criteria provided. Collection method: clinical testing. Allele origin: germline. Not counted in ClinVar's aggregate classification.
Comment: This variant is classified as likely benign based on ACMG/AMP sequence variant interpretation guidelines (Richards et al. 2015 PMID: 25741868, with internal and published modifications).